The following is an entry in ClinVar:

NM_145200.5(CABP4):c.81_82insA (p.Pro28fs)

Gene: CABP4 (calcium binding protein 4; plus strand). Cytogenetic location: 11q13.2.
Variant type: Insertion.
Coding change: c.81_82insA on transcript NM_145200.5 (MANE Select); coding-DNA positions 81 to 82, A inserted.
Protein change: p.Pro28fs; shifts the reading frame from proline 28.
Molecular consequence: frameshift variant. On other transcripts: 5 prime UTR variant (2), non-coding transcript variant (1), intron variant (1).
Genome position: GRCh38 VCF-style: chr11-67455504-T-TA. GRCh37 (hg19) VCF-style: chr11-67222975-T-TA.
Other names: c.-303_-302insA (NM_001300895.3); c.-317_-316insA (NM_001379183.1); c.-112-205_-112-204insA (NM_001300896.3); short protein forms P28fs.
Identifiers: ClinVar variation 190960 (VCV000190960.6), dbSNP rs786205852, ClinGen allele CA199752.

ClinVar aggregate classification (germline): Pathogenic. Review status: criteria provided, multiple submitters, no conflicts (2 of 4 stars). 3 submissions from 3 submitters: Pathogenic (2). 1 of the submissions does not count toward it. Last evaluated 2024-03-29.

Conditions:
Cone-rod synaptic disorder, congenital nonprogressive. Also called: NIGHT BLINDNESS, CONGENITAL STATIONARY, INCOMPLETE, AUTOSOMAL RECESSIVE. Identifiers: Orphanet 215, MedGen C4041558, MONDO:0012490, OMIM 610427.

Allele frequency attached by ClinVar (database versions not stated): gnomAD exomes below 0.00001.

Submissions (3):

Genomic Medicine Center of Excellence, King Faisal Specialist Hospital and Research Centre
Classification: Pathogenic for Cone-rod synaptic disorder, congenital nonprogressive. Last evaluated: 2024-03-29. Review status: criteria provided, single submitter. Criteria: ACMG Guidelines, 2015. Collection method: clinical testing. Allele origin: germline.

GeneDx
Classification: Pathogenic. Last evaluated: 2024-01-09. Review status: criteria provided, single submitter. Criteria: GeneDx Variant Classification Process June 2021. Collection method: clinical testing. Allele origin: germline. Affected: yes.
Comment: Haplotype analysis of eleven affected individuals from four consanguineous Saudi Arabian families suggests this is a common founder mutation in this population (PMID: 23099293); Frameshift variant predicted to result in protein truncation or nonsense mediated decay in a gene for which loss-of-function is a known mechanism of disease; Not observed in large population cohorts (gnomAD); This variant is associated with the following publications: (PMID: 23105016, 24332535, 19956407, 28635425, 23099293, 20157620, 25307992, 32552793)

OMIM
Classification: Pathogenic for CONE-ROD SYNAPTIC DISORDER, CONGENITAL NONPROGRESSIVE. Last evaluated: 2013-03-01. Review status: no assertion criteria provided. Collection method: literature only. Allele origin: germline. Not counted in ClinVar's aggregate classification.

Literature cited by the submitters: PubMed 20157620 (cited by OMIM); PubMed 23099293 (cited by OMIM).